The following is an entry in ClinVar:

NM_001127715.4(STXBP5):c.249C>T (p.Leu83=)

Gene: STXBP5 (syntaxin binding protein 5; plus strand). Cytogenetic location: 6q24.3.
Variant type: single nucleotide variant.
Coding change: c.249C>T on transcript NM_001127715.4 (MANE Select); coding-DNA position 249, C replaced by T.
Protein change: p.Leu83=; no amino-acid change (leucine 83 retained).
Molecular consequence: synonymous variant.
Genome position (GRCh38, 1-based): chr6:147,235,250, C>T. VCF-style: chr6-147235250-C-T. GRCh37 (hg19) VCF-style: chr6-147556386-C-T.
Other names: c.249C>T, p.Leu83= (NM_001394409.1, NM_139244.6).
Identifiers: ClinVar variation 3046209 (VCV003046209.2), dbSNP rs147083418, ClinGen allele CA4038676.

ClinVar aggregate classification (germline): Likely benign (0 of 4 stars; one submission).

Conditions:
STXBP5-related disorder. Also called: STXBP5-related condition.

Allele frequency attached by ClinVar (database versions not stated): ExAC 0.00009; 1000 Genomes Project 0.00020; ESP Exome Variant Server 0.00023; 1000 Genomes Project 30x 0.00031; gnomAD 0.00035; TOPMed 0.00037.
gnomAD v4.1: 104 of 1,613,062 alleles (0.0064%); highest among the groups gnomAD compares: African/African-American, 0.13%; no homozygotes.

Submission:

PreventionGenetics, part of Exact Sciences
Classification: Likely benign for STXBP5-related condition. Last evaluated: 2024-04-19. Review status: no assertion criteria provided. Collection method: clinical testing. Allele origin: germline.
Comment: This variant is classified as likely benign based on ACMG/AMP sequence variant interpretation guidelines (Richards et al. 2015 PMID: 25741868, with internal and published modifications).